The following is an entry in ClinVar:

NM_000420.3(KEL):c.1066A>G (p.Lys356Glu)

Gene: KEL (Kell metallo-endopeptidase (Kell blood group); minus strand). Cytogenetic location: 7q34.
Variant type: single nucleotide variant.
Coding change: c.1066A>G on transcript NM_000420.3 (MANE Select); coding-DNA position 1066, A replaced by G.
Protein change: p.Lys356Glu; replaces lysine 356 with glutamic acid.
Molecular consequence: missense variant.
Genome position (GRCh38, 1-based): chr7:142,953,815, T>C on the plus strand (A>G on the coding strand, the complement: KEL is on the minus strand). VCF-style: chr7-142953815-T-C. GRCh37 (hg19) VCF-style: chr7-142650902-T-C.
Other names: short protein forms K356E.
Identifiers: ClinVar variation 4974591 (VCV004974591.1).

ClinVar aggregate classification (germline): Uncertain significance (1 of 4 stars; one submission).

Conditions:
Hartsfield-Bixler-Demyer syndrome (HRTFDS). Also called: Holoprosencephaly, ectrodactyly, and bilateral cleft lip/palate; Hartsfield syndrome; FGFR1-Related Hartsfield Syndrome. Identifiers: Orphanet 2117, MedGen C1845146, MONDO:0014196, OMIM 615465. Disease mechanism: loss of function.

Submission:

Clinical Genomics Laboratory, Washington University in St. Louis
Classification: Uncertain significance for Hartsfield-Bixler-Demyer syndrome. Last evaluated: 2025-11-20. Review status: criteria provided, single submitter. Criteria: ACMG Guidelines, 2015. Collection method: clinical testing. Allele origin: germline.
Comment: A KEL c.1066A>G (p.Lys356Glu) variant was identified at a near heterozygous allelic fraction of 47.8%, a frequency which may be consistent with it being of germline origin. The KEL c.1066A>G (p.Lys356Glu) variant, to our knowledge, has not been reported in the medical literature. This variant is absent from the general population (gnomAD v4.1.0), indicating it is not a common variant. Computational predictors suggest that the variant does not impact KEL function. Due to limited information, and based on ACMG/AMP guidelines for variant interpretation (Richards S et al., PMID: 25741868), the clinical significance of this variant is uncertain at this time.